The following is an entry in ClinVar:

NM_014845.6(FIG4):c.155T>C (p.Ile52Thr)

Gene: FIG4 (FIG4 phosphoinositide 5-phosphatase; plus strand). Cytogenetic location: 6q21.
Variant type: single nucleotide variant.
Coding change: c.155T>C on transcript NM_014845.6 (MANE Select); coding-DNA position 155, T replaced by C.
Protein change: p.Ile52Thr; replaces isoleucine 52 with threonine.
Molecular consequence: missense variant.
Genome position (GRCh38, 1-based): chr6:109,715,166, T>C. VCF-style: chr6-109715166-T-C. GRCh37 (hg19) VCF-style: chr6-110036369-T-C.
Other names: short protein forms I52T.
Identifiers: ClinVar variation 639325 (VCV000639325.6), dbSNP rs754533235, ClinGen allele CA3955682.

ClinVar aggregate classification (germline): Uncertain significance (1 of 4 stars; one submission).

Conditions:
Charcot-Marie-Tooth disease type 4. Also called: Charcot-Marie-Tooth disease, type IV; Charcot-Marie-Tooth, Type 4. Identifiers: Orphanet 64749, MedGen C4082197, MONDO:0018995.

Allele frequency attached by ClinVar (database versions not stated): gnomAD 0.00001; gnomAD exomes 0.00002; ExAC 0.00003.
gnomAD v4.1: 29 of 1,586,110 alleles (0.0018%); highest among the groups gnomAD compares: East Asian, 0.02%; no homozygotes.

Submission:

Labcorp Genetics (formerly Invitae), Labcorp
Classification: Uncertain significance for Charcot-Marie-Tooth disease type 4. Last evaluated: 2021-08-26. Review status: criteria provided, single submitter. Criteria: Invitae Variant Classification Sherloc (09022015). Collection method: clinical testing. Allele origin: germline.
Comment: This sequence change replaces isoleucine with threonine at codon 52 of the FIG4 protein (p.Ile52Thr). The isoleucine residue is moderately conserved and there is a moderate physicochemical difference between isoleucine and threonine. This variant is present in population databases (rs754533235, ExAC 0.006%). This variant has not been reported in the literature in individuals affected with FIG4-related conditions. Algorithms developed to predict the effect of missense changes on protein structure and function output the following: SIFT: "Tolerated"; PolyPhen-2: "Benign"; Align-GVGD: "Class C0". The threonine amino acid residue is found in multiple mammalian species, which suggests that this missense change does not adversely affect protein function. In summary, the available evidence is currently insufficient to determine the role of this variant in disease. Therefore, it has been classified as a Variant of Uncertain Significance.